The following is an entry in ClinVar:

NM_000128.4(F11):c.*194TTTG[1]

Genes: F11 (coagulation factor XI; plus strand), F11-AS1 (F11 antisense RNA 1; minus strand). Cytogenetic location: 4q35.2.
Variant type: Microsatellite.
Coding change: c.*194TTTG[1] on transcript NM_000128.4 (MANE Select); one copy of the 4-base unit TTTG starting at c.*194; the reference has two copies in a row; one copy, 4 bases deleted.
Molecular consequence: 3 prime UTR variant. On other transcripts: non-coding transcript variant (1).
Genome position (GRCh38, 1-based): chr4:186,288,812-186,288,815, TTTG deleted; deleting any 4 consecutive bases within chr4:186,288,807-186,288,815 gives the same sequence; the position shown is the placement nearest the transcript's 3' end. VCF-style (leftmost placement, unchanged base first): chr4-186288806-AGTTT-A. GRCh37 (hg19) VCF-style: chr4-187209960-AGTTT-A.
Identifiers: ClinVar variation 2139415 (VCV002139415.1), dbSNP rs555344319, ClinGen allele CA112106510.

ClinVar aggregate classification (germline): Uncertain significance (1 of 4 stars; one submission).

Submission:

Labcorp Genetics (formerly Invitae), Labcorp
Classification: Uncertain significance. Last evaluated: 2022-04-13. Review status: criteria provided, single submitter. Criteria: Invitae Variant Classification Sherloc (09022015). Collection method: clinical testing. Allele origin: germline.
Comment: This variant occurs in a non-coding region of the F11 gene. It does not change the encoded amino acid sequence of the F11 protein. This variant is not present in population databases (gnomAD no frequency). This variant has been observed in individual(s) with Factor XI deficiency (PMID: 31644447). This variant is also known as g.27849-27852del. In summary, the available evidence is currently insufficient to determine the role of this variant in disease. Therefore, it has been classified as a Variant of Uncertain Significance.

Literature cited by the submitters: PubMed 31644447.